The following is an entry in ClinVar:

ClinVar aggregate classification (germline): Uncertain significance (1 of 4 stars; one submission).

Conditions:
Fanconi anemia (FA). Also called: Fanconi's anemia. Identifiers: Orphanet 84, MedGen C0015625, MeSH D005199, MONDO:0019391.

Submission:

Labcorp Genetics (formerly Invitae), Labcorp
Classification: Uncertain significance for Fanconi anemia. Last evaluated: 2021-12-21. Review status: criteria provided, single submitter. Criteria: Invitae Variant Classification Sherloc (09022015). Collection method: clinical testing. Allele origin: germline.
Comment: In summary, the available evidence is currently insufficient to determine the role of this variant in disease. Therefore, it has been classified as a Variant of Uncertain Significance. Variants that disrupt the consensus splice site are a relatively common cause of aberrant splicing (PMID: 17576681, 9536098). Algorithms developed to predict the effect of sequence changes on RNA splicing suggest that this variant may disrupt the consensus splice site. This variant has not been reported in the literature in individuals affected with FANCI-related conditions. This variant is not present in population databases (gnomAD no frequency). This sequence change falls in intron 27 of the FANCI gene. It does not directly change the encoded amino acid sequence of the FANCI protein. It affects a nucleotide within the consensus splice site.

Literature cited by the submitters: PubMed 17576681; PubMed 9536098.

NM_001113378.2(FANCI):c.3006+4C>G

Gene: FANCI (FA complementation group I; plus strand). Cytogenetic location: 15q26.1.
Variant type: single nucleotide variant.
Coding change: c.3006+4C>G on transcript NM_001113378.2 (MANE Select); 4 bases into the intron after coding-DNA position 3006, C replaced by G.
Molecular consequence: intron variant.
Genome position (GRCh38, 1-based): chr15:89,301,446, C>G. VCF-style: chr15-89301446-C-G. GRCh37 (hg19) VCF-style: chr15-89844677-C-G.
Other names: c.2826+4C>G (NM_018193.3); c.3006+4C>G (NM_001376911.1); c.2727+4C>G (NM_001376910.1).
Identifiers: ClinVar variation 2051614 (VCV002051614.4), dbSNP rs2507937972, ClinGen allele CA2580090300.
Genomic context (GRCh38, chr15:89,301,446, plus strand): 5'-CTGCTAGTCACGGTTCTTACCAGTTTGTCCAAGTTACTGGAGCCCTCCTCTCCTCAGGTA[C>G]TAGTACCGCTAACTTAATCCCATTTAGCATTCCTCAGAAGGCAAGGATTATTGCATCATA-3'